The following is an entry in ClinVar:

NM_001321075.3(DLG4):c.1644C>T (p.Asn548=)

Gene: DLG4 (discs large MAGUK scaffold protein 4; minus strand). Cytogenetic location: 17p13.1.
Variant type: single nucleotide variant.
Coding change: c.1644C>T on transcript NM_001321075.3 (MANE Select); coding-DNA position 1644, C replaced by T.
Protein change: p.Asn548=; no amino-acid change (asparagine 548 retained).
Molecular consequence: synonymous variant. On other transcripts: non-coding transcript variant (1).
Genome position (GRCh38, 1-based): chr17:7,193,532, G>A on the plus strand (C>T on the coding strand, the complement: DLG4 is on the minus strand). VCF-style: chr17-7193532-G-A. GRCh37 (hg19) VCF-style: chr17-7096851-G-A.
Other names: c.1635C>T, p.Asn545= (NM_001128827.4); c.1764C>T, p.Asn588= (NM_001321074.1); c.1464C>T, p.Asn488= (NM_001321076.3, NM_001321077.3); c.1773C>T, p.Asn591= (NM_001365.5); c.1563C>T, p.Asn521= (NM_001369566.3).
Identifiers: ClinVar variation 2570969 (VCV002570969.29), dbSNP rs374550329, ClinGen allele CA8336873.
Genomic context (GRCh38, chr17:7,193,532, plus strand): 5'-CCAGCACTCACGGGGAACACAGGATCCAAACTTGTCGGGGAACTCGGAGAGAAGATCATC[G>A]TTGGCGCGGTCCTTGGTGGGCCCAAGGATGATGATGGGGCGAGCATAGTGCACTGCAGAG-3'
Protein context (NP_001308004.1, residues 538-558): IILGPTKDRA[Asn548=]DDLLSEFPDK

ClinVar aggregate classification (germline): Likely benign. Review status: criteria provided, multiple submitters, no conflicts (2 of 4 stars). 3 submissions from 3 submitters: Likely benign (2). 1 of the submissions does not count toward it. Last evaluated 2026-09-01.

Conditions:
DLG4-related disorder. Also called: DLG4-related condition.

Allele frequency attached by ClinVar (database versions not stated): 1000 Genomes Project 30x 0.00031; TOPMed 0.00081; gnomAD 0.00094; ESP Exome Variant Server 0.00097; gnomAD exomes 0.00102; ExAC 0.00182.

Submissions (3):

CeGaT Center for Human Genetics Tuebingen
Classification: Likely benign. Last evaluated: 2026-09-01. Review status: criteria provided, single submitter. Criteria: CeGaT Center For Human Genetics Tuebingen Variant Classification Criteria Version 2. Collection method: clinical testing. Allele origin: germline. Affected: yes. Observed: 8 variant alleles.
Comment: DLG4: BP4, BP7

Blueprint Genetics
Classification: Likely benign. Last evaluated: 2024-11-05. Review status: criteria provided, single submitter. Criteria: ACMG Guidelines, 2015. Collection method: clinical testing. Allele origin: germline.

PreventionGenetics, part of Exact Sciences
Classification: Likely benign for DLG4-related condition. Last evaluated: 2024-02-27. Review status: no assertion criteria provided. Collection method: clinical testing. Allele origin: germline. Not counted in ClinVar's aggregate classification.
Comment: This variant is classified as likely benign based on ACMG/AMP sequence variant interpretation guidelines (Richards et al. 2015 PMID: 25741868, with internal and published modifications).